The following is an entry in ClinVar:

ClinVar aggregate classification (germline): Uncertain significance. Review status: criteria provided, multiple submitters, no conflicts (2 of 4 stars). 2 submissions from 2 submitters: Uncertain significance (2). Last evaluated 2024-06-10.

Conditions:
Inborn genetic diseases. Identifiers: MedGen C0950123, MeSH D030342.
Autosomal recessive nonsyndromic hearing loss 66 (DFNB66). Also called: Deafness, autosomal recessive 66. Identifiers: Orphanet 90636, MedGen C1857750, MONDO:0012442, OMIM 610212.
Isolated neonatal sclerosing cholangitis (NSC). Also called: Sclerosing cholangitis, neonatal. Identifiers: Orphanet 480556, MedGen C4479344, MONDO:0018816, OMIM 617394.

Allele frequency attached by ClinVar (database versions not stated): gnomAD 0.00001.
gnomAD v4.1: 11 of 1,589,696 alleles (0.00069%); highest among the groups gnomAD compares: African/African-American, 0.0014%; no homozygotes.

Submissions (2):

Ambry Genetics
Classification: Uncertain significance for Inborn genetic diseases. Last evaluated: 2024-06-10. Review status: criteria provided, single submitter. Criteria: Ambry Variant Classification Scheme 2023. Collection method: clinical testing. Allele origin: germline.

Labcorp Genetics (formerly Invitae), Labcorp
Classification: Uncertain significance for Autosomal recessive nonsyndromic hearing loss 66; Isolated neonatal sclerosing cholangitis. Last evaluated: 2023-12-19. Review status: criteria provided, single submitter. Criteria: Invitae Variant Classification Sherloc (09022015). Collection method: clinical testing. Allele origin: germline.
Comment: This sequence change replaces proline, which is neutral and non-polar, with leucine, which is neutral and non-polar, at codon 109 of the DCDC2 protein (p.Pro109Leu). This variant is present in population databases (no rsID available, gnomAD 0.007%). This variant has not been reported in the literature in individuals affected with DCDC2-related conditions. Advanced modeling of protein sequence and biophysical properties (such as structural, functional, and spatial information, amino acid conservation, physicochemical variation, residue mobility, and thermodynamic stability) performed at Invitae indicates that this missense variant is not expected to disrupt DCDC2 protein function with a negative predictive value of 80%. In summary, the available evidence is currently insufficient to determine the role of this variant in disease. Therefore, it has been classified as a Variant of Uncertain Significance.

NM_016356.5(DCDC2):c.326C>T (p.Pro109Leu)

Gene: DCDC2 (doublecortin domain containing 2; minus strand). Cytogenetic location: 6p22.3.
Variant type: single nucleotide variant.
Coding change: c.326C>T on transcript NM_016356.5 (MANE Select); coding-DNA position 326, C replaced by T.
Protein change: p.Pro109Leu; replaces proline 109 with leucine.
Molecular consequence: missense variant.
Genome position (GRCh38, 1-based): chr6:24,353,591, G>A on the plus strand (C>T on the coding strand, the complement: DCDC2 is on the minus strand). VCF-style: chr6-24353591-G-A. GRCh37 (hg19) VCF-style: chr6-24353819-G-A.
Other names: c.326C>T, p.Pro109Leu (NM_001195610.2); c.326C>T (NM_016356.3); short protein forms P109L.
Identifiers: ClinVar variation 2924571 (VCV002924571.4), dbSNP rs1355730413, ClinGen allele CA363278423.